The following is an entry in ClinVar:

NM_003835.4(RGS9):c.57+6C>T

Gene: RGS9 (regulator of G protein signaling 9; plus strand). Cytogenetic location: 17q24.1.
Variant type: single nucleotide variant.
Coding change: c.57+6C>T on transcript NM_003835.4 (MANE Select); 6 bases into the intron after coding-DNA position 57, C replaced by T.
Molecular consequence: intron variant.
Genome position (GRCh38, 1-based): chr17:65,137,603, C>T. VCF-style: chr17-65137603-C-T. GRCh37 (hg19) VCF-style: chr17-63133721-C-T.
Other names: c.57+6C>T (NM_001081955.3, NM_001165933.2).
Identifiers: ClinVar variation 936024 (VCV000936024.9), dbSNP rs1909957476, ClinGen allele CA1139665835.

ClinVar aggregate classification (germline): Uncertain significance (1 of 4 stars; one submission).

Allele frequency attached by ClinVar (database versions not stated): gnomAD exomes below 0.00001.
gnomAD v4.1: 1 of 1,613,614 alleles (0.000062%); highest among the groups gnomAD compares: Non-Finnish European, 0.000085%; no homozygotes.

Submission:

Labcorp Genetics (formerly Invitae), Labcorp
Classification: Uncertain significance. Last evaluated: 2019-07-27. Review status: criteria provided, single submitter. Criteria: Invitae Variant Classification Sherloc (09022015). Collection method: clinical testing. Allele origin: germline.
Comment: In summary, the available evidence is currently insufficient to determine the role of this variant in disease. Therefore, it has been classified as a Variant of Uncertain Significance. Nucleotide substitutions within the consensus splice site are a relatively common cause of aberrant splicing (PMID: 17576681, 9536098). Algorithms developed to predict the effect of sequence changes on RNA splicing suggest that this variant is not likely to affect RNA splicing, but this prediction has not been confirmed by published transcriptional studies. This variant has not been reported in the literature in individuals with RGS9-related conditions. This variant is not present in population databases (ExAC no frequency). This sequence change falls in intron 1 of the RGS9 gene. It does not directly change the encoded amino acid sequence of the RGS9 protein, but it affects a nucleotide within the consensus splice site of the intron.

Literature cited by the submitters: PubMed 17576681; PubMed 9536098.